The following is an entry in ClinVar:

ClinVar aggregate classification (germline): Uncertain significance (1 of 4 stars; one submission).

Conditions:
Hypertrophic cardiomyopathy. Also called: HYPERTROPHIC MYOCARDIOPATHY. Identifiers: Orphanet 217569, MedGen C0007194, MeSH D002312, MONDO:0005045, HP:0001639.

Submission:

Labcorp Genetics (formerly Invitae), Labcorp
Classification: Uncertain significance for Hypertrophic cardiomyopathy. Last evaluated: 2019-05-02. Review status: criteria provided, single submitter. Criteria: Invitae Variant Classification Sherloc (09022015). Collection method: clinical testing. Allele origin: germline.
Comment: This variant is not present in population databases (ExAC no frequency). This sequence change replaces phenylalanine with leucine at codon 305 of the MYBPC3 protein (p.Phe305Leu). The phenylalanine residue is moderately conserved and there is a small physicochemical difference between phenylalanine and leucine. This variant has not been reported in the literature in individuals with MYBPC3-related conditions. In summary, the available evidence is currently insufficient to determine the role of this variant in disease. Therefore, it has been classified as a Variant of Uncertain Significance. Algorithms developed to predict the effect of missense changes on protein structure and function output the following: SIFT: "Tolerated"; PolyPhen-2: "Benign"; Align-GVGD: "Class C0". The leucine amino acid residue is found in multiple mammalian species, suggesting that this missense change does not adversely affect protein function. These predictions have not been confirmed by published functional studies and their clinical significance is uncertain.

NM_000256.3(MYBPC3):c.913T>C (p.Phe305Leu)

Gene: MYBPC3 (myosin binding protein C3; minus strand). Cytogenetic location: 11p11.2.
Variant type: single nucleotide variant.
Coding change: c.913T>C on transcript NM_000256.3 (MANE Select); coding-DNA position 913, T replaced by C.
Protein change: p.Phe305Leu; replaces phenylalanine 305 with leucine.
Molecular consequence: missense variant.
Genome position (GRCh38, 1-based): chr11:47,346,640, A>G on the plus strand (T>C on the coding strand, the complement: MYBPC3 is on the minus strand). VCF-style: chr11-47346640-A-G. GRCh37 (hg19) VCF-style: chr11-47368191-A-G.
Other names: short protein forms F305L.
Identifiers: ClinVar variation 945980 (VCV000945980.9), dbSNP rs2095894478, ClinGen allele CA380332931.